The following is an entry in ClinVar:

NC_000017.10:g.(?_41215238)_(41258921_?)del

Gene: BRCA1 (BRCA1 DNA repair associated; minus strand). Cytogenetic location: 17q21.31.
Variant type: Deletion.
Identifiers: ClinVar variation 1071391 (VCV001071391.3).

ClinVar aggregate classification (germline): Pathogenic (1 of 4 stars; one submission).

Conditions:
Hereditary breast ovarian cancer syndrome. Also called: Hereditary breast and ovarian cancer syndrome (HBOC); Hereditary breast and/or ovarian cancer syndrome; Hereditary breast and ovarian cancer; BRCA1- and BRCA2-Associated Hereditary Breast and Ovarian Cancer; Hereditary breast and ovarian cancer syndrome; Breast and ovarian cancer. Identifiers: Orphanet 145, MedGen C0677776, MeSH D061325, MONDO:0003582. Disease mechanism: loss of function.

Submission:

Labcorp Genetics (formerly Invitae), Labcorp
Classification: Pathogenic for Hereditary breast ovarian cancer syndrome. Last evaluated: 2015-02-20. Review status: criteria provided, single submitter. Criteria: Invitae Variant Classification Sherloc (09022015). Collection method: clinical testing. Allele origin: germline.
Comment: For these reasons, this variant has been classified as Pathogenic. While this particular variant has not been reported in the literature, truncating sequence changes in BRCA1 are known to be pathogenic (PMID:¬†20104584). This deletion causes a translational frameshift and is expected to result in an absent or disrupted protein product This sequence change is a gross deletion of the genomic region encompassing exons 4-18 of the BRCA1 gene.¬†This deletion extends to both edges of the assayed region, and the 5' and 3' boundaries of this event are not known.